The following is an entry in ClinVar:

NM_001367823.1(ARHGEF18):c.3821A>G (p.Asn1274Ser)

Gene: ARHGEF18 (Rho/Rac guanine nucleotide exchange factor 18; plus strand). Cytogenetic location: 19p13.2.
Variant type: single nucleotide variant.
Coding change: c.3821A>G on transcript NM_001367823.1 (MANE Select); coding-DNA position 3821, A replaced by G.
Protein change: p.Asn1274Ser; replaces asparagine 1274 with serine.
Molecular consequence: missense variant.
Genome position (GRCh38, 1-based): chr19:7,469,937, A>G. VCF-style: chr19-7469937-A-G. GRCh37 (hg19) VCF-style: chr19-7534823-A-G.
Other names: c.3095A>G, p.Asn1032Ser (NM_001130955.2); c.2783A>G, p.Asn928Ser (NM_001367824.1, NM_015318.4); short protein forms N1274S, N1032S, N928S.
Identifiers: ClinVar variation 1948236 (VCV001948236.6), dbSNP rs995021643, ClinGen allele CA304858316.
Genomic context (GRCh38, chr19:7,469,937, plus strand): 5'-CTGGCCCAAATACCTTCTCTCTTCCAGCGTCCTTCGACCTGAAGCAGCAGCTGCTGCTCA[A>G]CAAGCTCATGGGGAAAGATGAGAGCACCTCACGGAACCGCCGCTCGCTGAGCCCTATCCT-3'
Protein context (NP_001354752.1, residues 1264-1284): SFDLKQQLLL[Asn1274Ser]KLMGKDESTS

ClinVar aggregate classification (germline): Uncertain significance. Review status: criteria provided, multiple submitters, no conflicts (2 of 4 stars). 2 submissions from 2 submitters: Uncertain significance (2). Last evaluated 2023-11-27.

gnomAD v4.1: 9 of 1,612,810 alleles (0.00056%); highest among the groups gnomAD compares: African/African-American, 0.012%; no homozygotes.

Submissions (2):

Labcorp Genetics (formerly Invitae), Labcorp
Classification: Uncertain significance. Last evaluated: 2023-11-27. Review status: criteria provided, single submitter. Criteria: Invitae Variant Classification Sherloc (09022015). Collection method: clinical testing. Allele origin: germline.
Comment: This sequence change replaces asparagine, which is neutral and polar, with serine, which is neutral and polar, at codon 1086 of the ARHGEF18 protein (p.Asn1086Ser). This variant is present in population databases (no rsID available, gnomAD 0.01%). This variant has not been reported in the literature in individuals affected with ARHGEF18-related conditions. ClinVar contains an entry for this variant (Variation ID: 1948236). Algorithms developed to predict the effect of missense changes on protein structure and function output the following: SIFT: "Not Available"; PolyPhen-2: "Benign"; Align-GVGD: "Not Available". The serine amino acid residue is found in multiple mammalian species, which suggests that this missense change does not adversely affect protein function. In summary, the available evidence is currently insufficient to determine the role of this variant in disease. Therefore, it has been classified as a Variant of Uncertain Significance.

Blueprint Genetics
Classification: Uncertain significance. Last evaluated: 2019-11-08. Review status: criteria provided, single submitter. Criteria: ACMG Guidelines, 2015. Collection method: clinical testing. Allele origin: germline.